The following is an entry in ClinVar:

ClinVar aggregate classification (germline): Uncertain significance (1 of 4 stars; one submission).

Conditions:
CHARGE syndrome (CHARGE). Also called: Hittner Hirsch Kreh syndrome; CHARGE ASSOCIATION--COLOBOMA, HEART ANOMALY, CHOANAL ATRESIA, RETARDATION, GENITAL AND EAR ANOMALIES; Coloboma, heart anomaly, choanal atresia, retardation, genital and ear anomalies; CHARGE association; Hall-Hittner syndrome. Identifiers: Orphanet 138, MedGen C0265354, MONDO:0008965.

gnomAD v4.1: 9 of 1,613,596 alleles (0.00056%); highest among the groups gnomAD compares: Non-Finnish European, 0.00076%; no homozygotes.

Submission:

Labcorp Genetics (formerly Invitae), Labcorp
Classification: Uncertain significance for CHARGE syndrome. Last evaluated: 2025-08-13. Review status: criteria provided, single submitter. Criteria: Invitae Variant Classification Sherloc (09022015). Collection method: clinical testing. Allele origin: germline.
Comment: This sequence change replaces phenylalanine, which is neutral and non-polar, with valine, which is neutral and non-polar, at codon 653 of the SEMA3E protein (p.Phe653Val). This variant is present in population databases (no rsID available, gnomAD 0.0009%). This variant has not been reported in the literature in individuals affected with SEMA3E-related conditions. Invitae Evidence Modeling of protein sequence and biophysical properties (such as structural, functional, and spatial information, amino acid conservation, physicochemical variation, residue mobility, and thermodynamic stability) indicates that this missense variant is not expected to disrupt SEMA3E protein function with a negative predictive value of 80%. In summary, the available evidence is currently insufficient to determine the role of this variant in disease. Therefore, it has been classified as a Variant of Uncertain Significance.

NM_012431.3(SEMA3E):c.1957T>G (p.Phe653Val)

Gene: SEMA3E (semaphorin 3E; minus strand). Cytogenetic location: 7q21.11.
Variant type: single nucleotide variant.
Coding change: c.1957T>G on transcript NM_012431.3 (MANE Select); coding-DNA position 1957, T replaced by G.
Protein change: p.Phe653Val; replaces phenylalanine 653 with valine.
Molecular consequence: missense variant.
Genome position (GRCh38, 1-based): chr7:83,367,957, A>C on the plus strand (T>G on the coding strand, the complement: SEMA3E is on the minus strand). VCF-style: chr7-83367957-A-C. GRCh37 (hg19) VCF-style: chr7-82997273-A-C.
Other names: c.1777T>G, p.Phe593Val (NM_001178129.2); short protein forms F593V, F653V.
Identifiers: ClinVar variation 4738096 (VCV004738096.1).